The following is an entry in ClinVar:

NM_000110.4(DPYD):c.1796T>C (p.Met599Thr)

Gene: DPYD (dihydropyrimidine dehydrogenase; minus strand). Cytogenetic location: 1p21.3.
Variant type: single nucleotide variant.
Coding change: c.1796T>C on transcript NM_000110.4 (MANE Select); coding-DNA position 1796, T replaced by C.
Protein change: p.Met599Thr; replaces methionine 599 with threonine.
Molecular consequence: missense variant.
Genome position (GRCh38, 1-based): chr1:97,450,168, A>G on the plus strand (T>C on the coding strand, the complement: DPYD is on the minus strand). VCF-style: chr1-97450168-A-G. GRCh37 (hg19) VCF-style: chr1-97915724-A-G.
Other names: short protein forms M599T.
Identifiers: ClinVar variation 550673 (VCV000550673.34), dbSNP rs147601618, ClinGen allele CA963231.
Genomic context (GRCh38, chr1:97,450,168, plus strand): 5'-GCAGCCGTTTTCTCACTGATGAGCTCAATATTCAGAAAGGAGCTTTGTCCAGGGCCATAC[A>G]TGGGGCCAGAGGTGGTTCCCCGGATGATTCTGGGGGAAACATTTGTCACAATGTCCTGAT-3'
Protein context (NP_000101.2, residues 589-609): RIIRGTTSGP[Met599Thr]YGPGQSSFLN

ClinVar aggregate classification (germline): Conflicting classifications of pathogenicity. Review status: criteria provided, conflicting classifications (1 of 4 stars). 6 submissions from 6 submitters: Uncertain significance (4); Likely benign (1). 1 of the submissions does not count toward it. Last evaluated 2024-09-10.

Conditions:
Dihydropyrimidine dehydrogenase deficiency (DPYDD). Also called: DPD DEFICIENCY; DPYD DEFICIENCY; Hereditary Thymine-Uraciluria. Identifiers: Orphanet 1675, MedGen C1959620, MONDO:0010130, OMIM 274270.

Allele frequency attached by ClinVar (database versions not stated): gnomAD 0.00003; ExAC 0.00006; gnomAD exomes 0.00007; TOPMed 0.00009; ESP Exome Variant Server 0.00015.
gnomAD v4.1: 92 of 1,613,814 alleles (0.0057%); highest among the groups gnomAD compares: Non-Finnish European, 0.0074%; no homozygotes.

Submissions (6):

Women's Health and Genetics/Laboratory Corporation of America, LabCorp
Classification: Uncertain significance. Last evaluated: 2024-09-10. Review status: criteria provided, single submitter. Criteria: LabCorp Variant Classification Summary - May 2015. Collection method: clinical testing. Allele origin: germline.
Comment: Variant summary: DPYD c.1796T>C (p.Met599Thr) results in a non-conservative amino acid change located in the Dihydroorotate dehydrogenase domain (IPR005720) of the encoded protein sequence. Four of five in-silico tools predict a benign effect of the variant on protein function. The variant allele was found at a frequency of 6.8e-05 in 251236 control chromosomes. This frequency is not significantly higher than estimated for a pathogenic variant in DPYD causing Dihydropyrimidine Dehydrogenase Deficiency (6.8e-05 vs 0.0025), allowing no conclusion about variant significance. c.1796T>C has been reported in the literature in one heterozygous individual affected with 5-FU toxicity (Ofverholm_2009). This report does not provide unequivocal conclusions about association of the variant with Dihydropyrimidine Dehydrogenase Deficiency as benign variants have also been associated with 5-FU toxicity. Enzyme activity assays using protein lysates from HEK293T/c17 transfected cells show that the variant had WT levels of DPD metabolic activity (Offer_2014). The following publications have been ascertained in the context of this evaluation (PMID: 24648345, 19822137). ClinVar contains an entry for this variant (Variation ID: 550673). Based on the evidence outlined above, the variant was classified as uncertain significance.

CeGaT Center for Human Genetics Tuebingen
Classification: Likely benign. Last evaluated: 2023-07-01. Review status: criteria provided, single submitter. Criteria: CeGaT Center For Human Genetics Tuebingen Variant Classification Criteria Version 2. Collection method: clinical testing. Allele origin: germline. Affected: yes. Observed: 1 variant allele.
Comment: DPYD: BP4

Genome-Nilou Lab
Classification: Uncertain significance for Dihydropyrimidine dehydrogenase deficiency. Last evaluated: 2023-04-11. Review status: criteria provided, single submitter. Criteria: ACMG Guidelines, 2015. Collection method: clinical testing. Allele origin: germline. Affected: no.

Fulgent Genetics
Classification: Uncertain significance for Dihydropyrimidine dehydrogenase deficiency. Last evaluated: 2018-10-31. Review status: criteria provided, single submitter. Criteria: ACMG Guidelines, 2015. Collection method: clinical testing. Allele origin: unknown.

Illumina Laboratory Services, Illumina
Classification: Uncertain significance for Dihydropyrimidine dehydrogenase deficiency. Last evaluated: 2017-08-13. Review status: criteria provided, single submitter. Criteria: ICSL Variant Classification Criteria 13 December 2019. Collection method: clinical testing. Allele origin: germline.
Comment: This variant was observed as part of a predisposition screen in an ostensibly healthy population. A literature search was performed for the gene, cDNA change, and amino acid change (where applicable). Publications were found based on this search. However, the evidence from the literature, in combination with allele frequency data from public databases where available, was not sufficient to rule this variant in or out of causing disease. Therefore, this variant is classified as a variant of unknown significance.

Counsyl
Classification: Uncertain significance for Dihydropyrimidine dehydrogenase deficiency. Last evaluated: 2017-02-14. Review status: no assertion criteria provided. Collection method: clinical testing. Allele origin: unknown. Not counted in ClinVar's aggregate classification.

Literature cited by the submitters: PubMed 24648345 (cited by 3 submitters); PubMed 19822137 (cited by 3 submitters).